The following is an entry in ClinVar:

NM_015559.3(SETBP1):c.1567C>T (p.His523Tyr)

Gene: SETBP1 (SET binding protein 1; plus strand). Cytogenetic location: 18q12.3.
Variant type: single nucleotide variant.
Coding change: c.1567C>T on transcript NM_015559.3 (MANE Select); coding-DNA position 1567, C replaced by T.
Protein change: p.His523Tyr; replaces histidine 523 with tyrosine.
Molecular consequence: missense variant.
Genome position (GRCh38, 1-based): chr18:44,950,907, C>T. VCF-style: chr18-44950907-C-T. GRCh37 (hg19) VCF-style: chr18-42530872-C-T.
Other names: c.1567C>T, p.His523Tyr (NM_001379141.1, NM_001379142.1); short protein forms H523Y.
Identifiers: ClinVar variation 1343170 (VCV001343170.3), dbSNP rs2071331956, ClinGen allele CA402318797.

ClinVar aggregate classification (germline): Uncertain significance. Review status: criteria provided, multiple submitters, no conflicts (2 of 4 stars). 2 submissions from 2 submitters: Uncertain significance (2). Last evaluated 2025-11-12.

Conditions:
Developmental disorder. Identifiers: MedGen C0008073.

Submissions (2):

Labcorp Genetics (formerly Invitae), Labcorp
Classification: Uncertain significance. Last evaluated: 2025-11-12. Review status: criteria provided, single submitter. Criteria: Invitae Variant Classification Sherloc (09022015). Collection method: clinical testing. Allele origin: germline.
Comment: This sequence change replaces histidine, which is basic and polar, with tyrosine, which is neutral and polar, at codon 523 of the SETBP1 protein (p.His523Tyr). This variant is not present in population databases (gnomAD no frequency). This variant has not been reported in the literature in individuals affected with SETBP1-related conditions. ClinVar contains an entry for this variant (Variation ID: 1343170). Invitae Evidence Modeling of protein sequence and biophysical properties (such as structural, functional, and spatial information, amino acid conservation, physicochemical variation, residue mobility, and thermodynamic stability) indicates that this missense variant is not expected to disrupt SETBP1 protein function with a negative predictive value of 80%. In summary, the available evidence is currently insufficient to determine the role of this variant in disease. Therefore, it has been classified as a Variant of Uncertain Significance.

Department of Genetics, Rouen University Hospital, Normandy Center for Genomic and Personalized Medicine
Classification: Uncertain significance for Developmental disorder. Last evaluated: 2021-02-18. Review status: criteria provided, single submitter. Criteria: ACMG Guidelines, 2015. Collection method: clinical testing. Allele origin: maternal. Affected: yes.